The following is an entry in ClinVar:

NM_001083962.2(TCF4):c.1034C>T (p.Pro345Leu)

Gene: TCF4 (transcription factor 4; minus strand). Cytogenetic location: 18q21.2.
Variant type: single nucleotide variant.
Coding change: c.1034C>T on transcript NM_001083962.2 (MANE Select); coding-DNA position 1034, C replaced by T.
Protein change: p.Pro345Leu; replaces proline 345 with leucine.
Molecular consequence: missense variant.
Genome position (GRCh38, 1-based): chr18:55,259,984, G>A on the plus strand (C>T on the coding strand, the complement: TCF4 is on the minus strand). VCF-style: chr18-55259984-G-A. GRCh37 (hg19) VCF-style: chr18-52927215-G-A.
Other names: c.644C>T, p.Pro215Leu (NM_001348213.2, NM_001243233.2, NM_001330605.3 and 1 more transcripts); c.554C>T, p.Pro185Leu (NM_001348214.2, NM_001348216.2, NM_001243234.2 and 2 more transcripts); c.386C>T, p.Pro129Leu (NM_001348215.2); c.962C>T, p.Pro321Leu (NM_001348217.1, NM_001348218.2, NM_001348219.2 and 9 more transcripts); c.959C>T, p.Pro320Leu (NM_001348220.1, NM_001369578.1, NM_001369581.1 and 3 more transcripts); c.1034C>T, p.Pro345Leu (NM_001369567.1, NM_001369568.1, NM_003199.3 and 4 more transcripts); c.1340C>T, p.Pro447Leu (NM_001243226.3); c.1052C>T, p.Pro351Leu (NM_001243228.2); and 4 more; short protein forms P129L, P303L, P321L, P345L, P185L, P274L, P343L, P215L.
Identifiers: ClinVar variation 3659406 (VCV003659406.2).

ClinVar aggregate classification (germline): Uncertain significance (1 of 4 stars; one submission).

Conditions:
Pitt-Hopkins syndrome (PTHS). Also called: ENCEPHALOPATHY, SEVERE EPILEPTIC, WITH AUTONOMIC DYSFUNCTION; MENTAL RETARDATION, SYNDROMAL, WITH INTERMITTENT HYPERVENTILATION. Identifiers: Orphanet 2896, MedGen C1970431, MONDO:0012589, OMIM 610954.

Submission:

Labcorp Genetics (formerly Invitae), Labcorp
Classification: Uncertain significance for Pitt-Hopkins syndrome. Last evaluated: 2025-01-22. Review status: criteria provided, single submitter. Criteria: Invitae Variant Classification Sherloc (09022015). Collection method: clinical testing. Allele origin: germline.
Comment: This sequence change replaces proline, which is neutral and non-polar, with leucine, which is neutral and non-polar, at codon 345 of the TCF4 protein (p.Pro345Leu). This variant is not present in population databases (gnomAD no frequency). This variant has not been reported in the literature in individuals affected with TCF4-related conditions. Invitae Evidence Modeling of protein sequence and biophysical properties (such as structural, functional, and spatial information, amino acid conservation, physicochemical variation, residue mobility, and thermodynamic stability) indicates that this missense variant is not expected to disrupt TCF4 protein function with a negative predictive value of 80%. In summary, the available evidence is currently insufficient to determine the role of this variant in disease. Therefore, it has been classified as a Variant of Uncertain Significance.